The following is an entry in ClinVar:

NM_000059.4(BRCA2):c.4075A>G (p.Thr1359Ala)

Gene: BRCA2 (BRCA2 DNA repair associated; plus strand). Cytogenetic location: 13q13.1.
Variant type: single nucleotide variant.
Coding change: c.4075A>G on transcript NM_000059.4 (MANE Select); coding-DNA position 4075, A replaced by G.
Protein change: p.Thr1359Ala; replaces threonine 1359 with alanine.
Molecular consequence: missense variant.
Genome position (GRCh38, 1-based): chr13:32,338,430, A>G. VCF-style: chr13-32338430-A-G. GRCh37 (hg19) VCF-style: chr13-32912567-A-G.
Other names: short protein forms T1359A.
Identifiers: ClinVar variation 630424 (VCV000630424.7), dbSNP rs1566229623, ClinGen allele CA387779160.

ClinVar aggregate classification (germline): Conflicting classifications of pathogenicity. Review status: criteria provided, conflicting classifications (1 of 4 stars). 2 submissions from 2 submitters: Uncertain significance (1); Likely benign (1). Last evaluated 2023-12-05.

Conditions:
Hereditary cancer-predisposing syndrome. Also called: Tumor predisposition; Neoplastic Syndromes, Hereditary; Hereditary neoplastic syndrome; Hereditary Cancer Syndrome. Identifiers: Orphanet 140162, MedGen C0027672, MeSH D009386, MONDO:0015356.

Submissions (2):

Color Diagnostics, LLC DBA Color Health
Classification: Uncertain significance for Hereditary cancer-predisposing syndrome. Last evaluated: 2023-12-05. Review status: criteria provided, single submitter. Criteria: ACMG Guidelines, 2015. Collection method: clinical testing. Allele origin: germline.
Comment: This missense variant replaces threonine with alanine at codon 1359 of the BRCA2 protein. Computational prediction suggests that this variant may not impact protein structure and function (internally defined REVEL score threshold <= 0.5, PMID: 27666373). To our knowledge, functional studies have not been reported for this variant. This variant has not been reported in individuals affected with BRCA2-related disorders in the literature. This variant has not been identified in the general population by the Genome Aggregation Database (gnomAD). The available evidence is insufficient to determine the role of this variant in disease conclusively. Therefore, this variant is classified as a Variant of Uncertain Significance.

University of Washington Department of Laboratory Medicine, University of Washington
Classification: Likely benign for Hereditary cancer-predisposing syndrome. Last evaluated: 2023-03-23. Review status: criteria provided, single submitter. Criteria: Dines et al. (Genet Med. 2020). Collection method: curation. Allele origin: germline.
Comment: Missense variant in a coldspot region where missense variants are very unlikely to be pathogenic (PMID:31911673).

BRCA2 exon 11 coldspot. Reclassification based on statistical prior probability.